The following is an entry in ClinVar:

ClinVar aggregate classification (germline): Uncertain significance (1 of 4 stars; one submission).

Conditions:
DICER1-related tumor predisposition. Also called: DICER1 syndrome; DICER1-related pleuropulmonary blastoma cancer predisposition syndrome. Identifiers: Orphanet 284343, MedGen C3839822, MONDO:0100216.

Submission:

Labcorp Genetics (formerly Invitae), Labcorp
Classification: Uncertain significance for DICER1-related tumor predisposition. Last evaluated: 2022-12-02. Review status: criteria provided, single submitter. Criteria: Invitae Variant Classification Sherloc (09022015). Collection method: clinical testing. Allele origin: germline.
Comment: This sequence change replaces glycine, which is neutral and non-polar, with valine, which is neutral and non-polar, at codon 1097 of the DICER1 protein (p.Gly1097Val). In summary, the available evidence is currently insufficient to determine the role of this variant in disease. Therefore, it has been classified as a Variant of Uncertain Significance. Advanced modeling of protein sequence and biophysical properties (such as structural, functional, and spatial information, amino acid conservation, physicochemical variation, residue mobility, and thermodynamic stability) performed at Invitae indicates that this missense variant is not expected to disrupt DICER1 protein function. ClinVar contains an entry for this variant (Variation ID: 582294). This variant has not been reported in the literature in individuals affected with DICER1-related conditions. This variant is not present in population databases (gnomAD no frequency).

NM_177438.3(DICER1):c.3290G>T (p.Gly1097Val)

Gene: DICER1 (dicer 1, ribonuclease III; minus strand). Cytogenetic location: 14q32.13.
Variant type: single nucleotide variant.
Coding change: c.3290G>T on transcript NM_177438.3 (MANE Select); coding-DNA position 3290, G replaced by T.
Protein change: p.Gly1097Val; replaces glycine 1097 with valine.
Molecular consequence: missense variant.
Genome position (GRCh38, 1-based): chr14:95,104,106, C>A on the plus strand (G>T on the coding strand, the complement: DICER1 is on the minus strand). VCF-style: chr14-95104106-C-A. GRCh37 (hg19) VCF-style: chr14-95570443-C-A.
Other names: c.3290G>T, p.Gly1097Val (NM_001195573.1, NM_001271282.3, NM_001291628.2 and 1 more transcripts); short protein forms G1097V.
Identifiers: ClinVar variation 582294 (VCV000582294.10), dbSNP rs1566769651, ClinGen allele CA390876053.